The following is an entry in ClinVar:

NM_000138.5(FBN1):c.3690G>A (p.Met1230Ile)

Gene: FBN1 (fibrillin 1; minus strand). Cytogenetic location: 15q21.1.
Variant type: single nucleotide variant.
Coding change: c.3690G>A on transcript NM_000138.5 (MANE Select); coding-DNA position 3690, G replaced by A.
Protein change: p.Met1230Ile; replaces methionine 1230 with isoleucine.
Molecular consequence: missense variant.
Genome position (GRCh38, 1-based): chr15:48,485,396, C>T on the plus strand (G>A on the coding strand, the complement: FBN1 is on the minus strand). VCF-style: chr15-48485396-C-T. GRCh37 (hg19) VCF-style: chr15-48777593-C-T.
Other names: c.3690G>A, p.Met1230Ile (NM_001406716.1); short protein forms M1230I.
Identifiers: ClinVar variation 3071378 (VCV003071378.3), dbSNP rs555552301, ClinGen allele CA269527102.

ClinVar aggregate classification (germline): Uncertain significance. Review status: criteria provided, multiple submitters, no conflicts (2 of 4 stars). 3 submissions from 3 submitters: Uncertain significance (3). Last evaluated 2026-07-07.

Conditions:
Marfan syndrome (MFS). Also called: MARFAN SYNDROME, TYPE I; Marfan syndrome, classic; FBN1-Related Marfan Syndrome; Marfan syndrome type 1; Marfan's syndrome. Identifiers: Orphanet 284963, Orphanet 558, MedGen C0024796, MONDO:0007947, OMIM 154700.
Familial thoracic aortic aneurysm and aortic dissection (TAAD). Also called: Thoracic aortic aneurysms and dissections. Identifiers: Orphanet 91387, MedGen C4707243, MONDO:0019625.

Allele frequency attached by ClinVar (database versions not stated): gnomAD exomes below 0.00001; TOPMed below 0.00001; gnomAD 0.00001.

Submissions (3):

Ambry Genetics
Classification: Uncertain significance for Familial thoracic aortic aneurysm and aortic dissection. Last evaluated: 2026-07-07. Review status: criteria provided, single submitter. Criteria: Ambry Variant Classification Scheme 2023. Collection method: clinical testing. Allele origin: germline.
Comment: The p.M1230I variant (also known as c.3690G>A), located in coding exon 29 of the FBN1 gene, results from a G to A substitution at nucleotide position 3690. The methionine at codon 1230 is replaced by isoleucine, an amino acid with highly similar properties. This amino acid position is conserved. In addition, the in silico prediction for this alteration is inconclusive. Based on the available evidence, the clinical significance of this variant remains unclear.

Color Diagnostics, LLC DBA Color Health
Classification: Uncertain significance for Familial thoracic aortic aneurysm and aortic dissection. Last evaluated: 2025-08-08. Review status: criteria provided, single submitter. Criteria: ACMG Guidelines, 2015. Collection method: clinical testing. Allele origin: germline.
Comment: This missense variant replaces methionine with isoleucine at codon 1230 of the FBN1 protein. Computational prediction suggests that this variant may not impact protein structure and function. To our knowledge, functional studies have not been reported for this variant. This variant has not been reported in individuals affected with FBN1-related disorders in the literature. This variant has not been identified in the general population by the Genome Aggregation Database (gnomAD). The available evidence is insufficient to determine the role of this variant in disease conclusively. Therefore, this variant is classified as a Variant of Uncertain Significance.

All of Us Research Program, National Institutes of Health
Classification: Uncertain significance for Marfan syndrome. Last evaluated: 2023-05-30. Review status: criteria provided, single submitter. Criteria: ACMG Guidelines, 2015. Collection method: clinical testing. Allele origin: germline. Inheritance: Autosomal dominant inheritance. Observed: 1 variant allele, 1 heterozygote.
Comment: This missense variant replaces methionine with isoleucine at codon 1230 of the FBN1 protein. Computational prediction suggests that this variant may not impact protein structure and function (internally defined REVEL score threshold <= 0.5, PMID: 27666373). To our knowledge, functional studies have not been reported for this variant. This variant has not been reported in individuals affected with FBN1-related disorders in the literature. This variant has not been identified in the general population by the Genome Aggregation Database (gnomAD). The available evidence is insufficient to determine the role of this variant in disease conclusively. Therefore, this variant is classified as a Variant of Uncertain Significance.

This study involves interpretation of variants in research participants for the purpose of population health screening. Participant phenotype was not available at the time of variant classification. Additional details can be found in publication PMID: 35346344, PMCID: PMC8962531